The following is an entry in ClinVar:

NM_017871.6(INTS11):c.1770G>T (p.Leu590=)

Gene: INTS11 (integrator complex subunit 11; minus strand). Cytogenetic location: 1p36.33.
Variant type: single nucleotide variant.
Coding change: c.1770G>T on transcript NM_017871.6 (MANE Select); coding-DNA position 1770, G replaced by T.
Protein change: p.Leu590=; no amino-acid change (leucine 590 retained).
Molecular consequence: synonymous variant.
Genome position (GRCh38, 1-based): chr1:1,311,892, C>A on the plus strand (G>T on the coding strand, the complement: INTS11 is on the minus strand). VCF-style: chr1-1311892-C-A. GRCh37 (hg19) VCF-style: chr1-1247272-C-A.
Other names: c.1788G>T, p.Leu596= (NM_001256456.2); c.1683G>T, p.Leu561= (NM_001256460.2); c.1476G>T, p.Leu492= (NM_001256462.2); c.1467G>T, p.Leu489= (NM_001256463.2).
Identifiers: ClinVar variation 4281514 (VCV004281514.7).

ClinVar aggregate classification (germline): Likely benign (1 of 4 stars; one submission).

Submission:

CeGaT Center for Human Genetics Tuebingen
Classification: Likely benign. Last evaluated: 2025-09-01. Review status: criteria provided, single submitter. Criteria: CeGaT Center For Human Genetics Tuebingen Variant Classification Criteria Version 2. Collection method: clinical testing. Allele origin: germline. Affected: yes. Observed: 1 variant allele.
Comment: INTS11: PM2:Supporting, BP4, BP7